The following is an entry in ClinVar:

NM_016239.4(MYO15A):c.9571C>T (p.Arg3191Cys)

Gene: MYO15A (myosin XVA; plus strand). Cytogenetic location: 17p11.2.
Variant type: single nucleotide variant.
Coding change: c.9571C>T on transcript NM_016239.4 (MANE Select); coding-DNA position 9571, C replaced by T.
Protein change: p.Arg3191Cys; replaces arginine 3191 with cysteine.
Molecular consequence: missense variant.
Genome position (GRCh38, 1-based): chr17:18,162,638, C>T. VCF-style: chr17-18162638-C-T. GRCh37 (hg19) VCF-style: chr17-18065952-C-T.
Other names: short protein forms R3191C.
Identifiers: ClinVar variation 2907509 (VCV002907509.5), dbSNP rs1297765168, ClinGen allele CA398638230.
Genomic context (GRCh38, chr17:18,162,638, plus strand): 5'-TCTGCAGGGATCGCCAAGGCCTGCGAGCAGAACCTGCAGAAAACCTTGCGCTTCGGAGGT[C>T]GTCTGGAGCTCCCCAGCAGCATAGAGCTTCGGGCCATGTTGGTGAGCATAGGGTGGGAGT-3'
Protein context (NP_057323.3, residues 3181-3201): NLQKTLRFGG[Arg3191Cys]LELPSSIELR

ClinVar aggregate classification (germline): Pathogenic/Likely pathogenic. Review status: criteria provided, multiple submitters, no conflicts (2 of 4 stars). 2 submissions from 2 submitters: Pathogenic (1); Likely pathogenic (1). Last evaluated 2026-06-01.

Allele frequency attached by ClinVar (database versions not stated): gnomAD exomes below 0.00001.

Submissions (2):

CeGaT Center for Human Genetics Tuebingen
Classification: Likely pathogenic. Last evaluated: 2026-06-01. Review status: criteria provided, single submitter. Criteria: CeGaT Center For Human Genetics Tuebingen Variant Classification Criteria Version 2. Collection method: clinical testing. Allele origin: germline. Affected: yes. Observed: 1 variant allele.
Comment: MYO15A: PP1:Strong, PM2, PM5

Labcorp Genetics (formerly Invitae), Labcorp
Classification: Pathogenic. Last evaluated: 2023-11-24. Review status: criteria provided, single submitter. Criteria: Invitae Variant Classification Sherloc (09022015). Collection method: clinical testing. Allele origin: germline.
Comment: This sequence change replaces arginine, which is basic and polar, with cysteine, which is neutral and slightly polar, at codon 3191 of the MYO15A protein (p.Arg3191Cys). This variant is not present in population databases (gnomAD no frequency). This missense change has been observed in individual(s) with deafness (PMID: 31301639). It has also been observed to segregate with disease in related individuals. Advanced modeling of protein sequence and biophysical properties (such as structural, functional, and spatial information, amino acid conservation, physicochemical variation, residue mobility, and thermodynamic stability) performed at Invitae indicates that this missense variant is expected to disrupt MYO15A protein function with a positive predictive value of 95%. This variant disrupts the p.Arg3191 amino acid residue in MYO15A. Other variant(s) that disrupt this residue have been determined to be pathogenic (PMID: 23804846; Invitae). This suggests that this residue is clinically significant, and that variants that disrupt this residue are likely to be disease-causing. For these reasons, this variant has been classified as Pathogenic.

Literature cited by the submitters: PubMed 31301639 (cited by Labcorp Genetics (formerly Invitae), Labcorp); PubMed 23804846 (cited by Labcorp Genetics (formerly Invitae), Labcorp).